The following is an entry in ClinVar:

NM_138395.4(MARS2):c.195G>A (p.Ser65=)

Genes: MARS2 (methionyl-tRNA synthetase 2, mitochondrial; plus strand), LOC129935365 (ATAC-STARR-seq lymphoblastoid active region 16942; plus strand). Cytogenetic location: 2q33.1.
Variant type: single nucleotide variant.
Coding change: c.195G>A on transcript NM_138395.4 (MANE Select); coding-DNA position 195, G replaced by A.
Protein change: p.Ser65=; no amino-acid change (serine 65 retained).
Molecular consequence: synonymous variant.
Genome position (GRCh38, 1-based): chr2:197,705,600, G>A. VCF-style: chr2-197705600-G-A. GRCh37 (hg19) VCF-style: chr2-198570324-G-A.
Identifiers: ClinVar variation 724135 (VCV000724135.7), dbSNP rs143063904, ClinGen allele CA2044538.

ClinVar aggregate classification (germline): Likely benign. Review status: criteria provided, single submitter (1 of 4 stars). 2 submissions from 2 submitters: Likely benign (1). 1 of the submissions does not count toward it. Last evaluated 2025-05-01.

Conditions:
MARS2-related disorder. Also called: MARS2-related condition.

Allele frequency attached by ClinVar (database versions not stated): gnomAD exomes 0.00004; ExAC 0.00005; TOPMed 0.00015; 1000 Genomes Project 30x 0.00016; ESP Exome Variant Server 0.00038.
gnomAD v4.1: 32 of 1,612,930 alleles (0.002%); highest among the groups gnomAD compares: African/African-American, 0.037%; no homozygotes.

Submissions (2):

Labcorp Genetics (formerly Invitae), Labcorp
Classification: Likely benign. Last evaluated: 2025-05-01. Review status: criteria provided, single submitter. Criteria: Invitae Variant Classification Sherloc (09022015). Collection method: clinical testing. Allele origin: germline.

PreventionGenetics, part of Exact Sciences
Classification: Likely benign for MARS2-related condition. Last evaluated: 2022-11-29. Review status: no assertion criteria provided. Collection method: clinical testing. Allele origin: germline. Not counted in ClinVar's aggregate classification.
Comment: This variant is classified as likely benign based on ACMG/AMP sequence variant interpretation guidelines (Richards et al. 2015 PMID: 25741868, with internal and published modifications).